The following is an entry in ClinVar:

NM_020911.2(PLXNA4):c.1309G>C (p.Ala437Pro)

Gene: PLXNA4 (plexin A4; minus strand). Cytogenetic location: 7q32.3.
Variant type: single nucleotide variant.
Coding change: c.1309G>C on transcript NM_020911.2 (MANE Select); coding-DNA position 1309, G replaced by C.
Protein change: p.Ala437Pro; replaces alanine 437 with proline.
Molecular consequence: missense variant.
Genome position (GRCh38, 1-based): chr7:132,489,354, C>G on the plus strand (G>C on the coding strand, the complement: PLXNA4 is on the minus strand). VCF-style: chr7-132489354-C-G. GRCh37 (hg19) VCF-style: chr7-132174113-C-G.
Other names: c.1309G>C, p.Ala437Pro (NM_001105543.2, NM_001393897.1, NM_181775.4); short protein forms A437P.
Identifiers: ClinVar variation 4991234 (VCV004991234.1).

ClinVar aggregate classification (germline): Uncertain significance (1 of 4 stars; one submission).

Conditions:
PLXNA4-related disorder. Also called: PLXNA4-related condition.

Submission:

PreventionGenetics, part of Exact Sciences
Classification: Uncertain significance for PLXNA4-related condition. Last evaluated: 2026-09-24. Review status: criteria provided, single submitter. Criteria: ACMG Guidelines, 2015. Collection method: clinical testing. Allele origin: germline.
Comment: The PLXNA4 c.1309G>C variant is predicted to result in the amino acid substitution p.Ala437Pro. To our knowledge, this variant has not been reported in the literature or in a large population database (gnomAD), indicating this variant is rare. At this time, the clinical significance of this variant is uncertain due to the absence of conclusive functional and genetic evidence.